The following is an entry in ClinVar:

NM_000264.5(PTCH1):c.3196G>T (p.Glu1066Ter)

Gene: PTCH1 (patched 1; minus strand). Cytogenetic location: 9q22.32.
Variant type: single nucleotide variant.
Coding change: c.3196G>T on transcript NM_000264.5 (MANE Select); coding-DNA position 3196, G replaced by T.
Protein change: p.Glu1066Ter; replaces glutamic acid 1066 with a stop codon.
Molecular consequence: nonsense. On other transcripts: non-coding transcript variant (1).
Genome position (GRCh38, 1-based): chr9:95,456,386, C>A on the plus strand (G>T on the coding strand, the complement: PTCH1 is on the minus strand). VCF-style: chr9-95456386-C-A. GRCh37 (hg19) VCF-style: chr9-98218668-C-A.
Other names: c.2998G>T, p.Glu1000Ter (NM_001083602.3); c.3193G>T, p.Glu1065Ter (NM_001083603.3); c.2743G>T, p.Glu915Ter (NM_001083604.3, NM_001083605.3, NM_001083606.3 and 1 more transcripts); c.3040G>T, p.Glu1014Ter (NM_001354918.2); short protein forms E1000*, E1066*, E1014*, E1065*, E915*.
Identifiers: ClinVar variation 1454859 (VCV001454859.8), dbSNP rs1838929775, ClinGen allele CA374112177.

ClinVar aggregate classification (germline): Pathogenic (1 of 4 stars; one submission).

Conditions:
Gorlin syndrome. Also called: Nevoid Basal Cell Carcinoma Syndrome; Basal cell nevus syndrome. Identifiers: Orphanet 377, MedGen C0004779, MONDO:0007187.

Submission:

Labcorp Genetics (formerly Invitae), Labcorp
Classification: Pathogenic for Gorlin syndrome. Last evaluated: 2020-11-16. Review status: criteria provided, single submitter. Criteria: Invitae Variant Classification Sherloc (09022015). Collection method: clinical testing. Allele origin: germline.
Comment: This sequence change creates a premature translational stop signal (p.Glu1066*) in the PTCH1 gene. It is expected to result in an absent or disrupted protein product. Loss-of-function variants in PTCH1 are known to be pathogenic (PMID: 16301862, 16419085). This variant is not present in population databases (ExAC no frequency). This variant has been observed in individual(s) with basal cell carcinoma (PMID: 9620294). For these reasons, this variant has been classified as Pathogenic.

Literature cited by the submitters: PubMed 16301862; PubMed 16419085; PubMed 9620294.